The following is an entry in ClinVar:

ClinVar aggregate classification (germline): Uncertain significance (1 of 4 stars; one submission).

Submission:

GeneDx
Classification: Uncertain significance. Last evaluated: 2022-11-10. Review status: criteria provided, single submitter. Criteria: GeneDx Variant Classification Process June 2021. Collection method: clinical testing. Allele origin: germline. Affected: yes.
Comment: Not observed at significant frequency in large population cohorts (gnomAD); In silico analysis supports that this missense variant does not alter protein structure/function; Has not been previously published as pathogenic or benign to our knowledge

NM_000719.7(CACNA1C):c.5294C>T (p.Ala1765Val)

Genes: CACNA1C (calcium voltage-gated channel subunit alpha1 C; plus strand), CACNA1C-AS1 (CACNA1C antisense RNA 1; minus strand). Cytogenetic location: 12p13.33.
Variant type: single nucleotide variant.
Coding change: c.5294C>T on transcript NM_000719.7 (MANE Select); coding-DNA position 5294, C replaced by T.
Protein change: p.Ala1765Val; replaces alanine 1765 with valine.
Molecular consequence: missense variant.
Genome position (GRCh38, 1-based): chr12:2,679,646, C>T. VCF-style: chr12-2679646-C-T. GRCh37 (hg19) VCF-style: chr12-2788812-C-T.
Other names: c.5438C>T, p.Ala1813Val (NM_001129827.2, NM_199460.4); c.5417C>T, p.Ala1806Val (NM_001129829.2); c.5294C>T, p.Ala1765Val (NM_001129830.3, NM_001129840.2, NM_001129841.2 and 4 more transcripts); c.5378C>T, p.Ala1793Val (NM_001129831.2); c.5354C>T, p.Ala1785Val (NM_001129832.2); c.5351C>T, p.Ala1784Val (NM_001129833.2, NM_001129834.2, NM_001129835.2); c.5345C>T, p.Ala1782Val (NM_001129836.2); c.5318C>T, p.Ala1773Val (NM_001129837.2, NM_001129838.2); and 3 more; short protein forms A1754V, A1762V, A1765V, A1771V, A1773V, A1782V, A1784V, A1785V.
Identifiers: ClinVar variation 2501628 (VCV002501628.1), dbSNP rs2097024221, ClinGen allele CA383378908.
Genomic context (GRCh38, chr12:2,679,646, plus strand): 5'-ACGAGAAGCTGGTGGACTCCACCTTCACCCCGAGCAGCTACTCGTCCACCGGCTCCAACG[C>T]CAACATCAACAACGCCAACAACACCGCCCTGGGTCGCCTCCCTCGCCCCGCCGGCTACCC-3'
Protein context (NP_000710.5, residues 1755-1775): PSSYSSTGSN[Ala1765Val]NINNANNTAL